The following is an entry in ClinVar:

ClinVar aggregate classification (germline): Pathogenic/Likely pathogenic. Review status: criteria provided, multiple submitters, no conflicts (2 of 4 stars). 2 submissions from 2 submitters: Pathogenic (1); Likely pathogenic (1). Last evaluated 2024-04-27.

Conditions:
Primary ciliary dyskinesia. Also called: Ciliary dyskinesia. Identifiers: Orphanet 244, MedGen C0008780, MONDO:0016575, HP:0012265.
Primary ciliary dyskinesia 14. Also called: CILIARY DYSKINESIA, PRIMARY, 14, WITH OR WITHOUT SITUS INVERSUS. Identifiers: Orphanet 244, MedGen C3151136, MONDO:0013434, OMIM 613807.

Submissions (2):

Fulgent Genetics
Classification: Likely pathogenic for Primary ciliary dyskinesia 14. Last evaluated: 2024-04-27. Review status: criteria provided, single submitter. Criteria: ACMG Guidelines, 2015. Collection method: clinical testing. Allele origin: germline.

Labcorp Genetics (formerly Invitae), Labcorp
Classification: Pathogenic for Primary ciliary dyskinesia. Last evaluated: 2024-02-09. Review status: criteria provided, single submitter. Criteria: Invitae Variant Classification Sherloc (09022015). Collection method: clinical testing. Allele origin: germline.
Comment: This sequence change creates a premature translational stop signal (p.Lys25Serfs*10) in the CCDC39 gene. It is expected to result in an absent or disrupted protein product. Loss-of-function variants in CCDC39 are known to be pathogenic (PMID: 21131972, 23255504). This variant is present in population databases (rs759007326, gnomAD 0.02%). This variant has not been reported in the literature in individuals affected with CCDC39-related conditions. ClinVar contains an entry for this variant (Variation ID: 2001402). For these reasons, this variant has been classified as Pathogenic.

Literature cited by the submitters: PubMed 21131972 (cited by Labcorp Genetics (formerly Invitae), Labcorp); PubMed 23255504 (cited by Labcorp Genetics (formerly Invitae), Labcorp).

NM_181426.2(CCDC39):c.74del (p.Lys25fs)

Gene: CCDC39 (coiled-coil domain 39 molecular ruler complex subunit; minus strand). Cytogenetic location: 3q26.33.
Variant type: Deletion.
Coding change: c.74del on transcript NM_181426.2 (MANE Select); coding-DNA position 74, one base deleted (A; older notation c.74delA).
Protein change: p.Lys25fs; shifts the reading frame from lysine 25.
Molecular consequence: frameshift variant.
Genome position (GRCh38, 1-based): chr3:180,679,307, T deleted on the plus strand (A on the coding strand, the reverse complement: CCDC39 is on the minus strand); the first of 2 consecutive T bases (chr3:180,679,307-180,679,308); deleting either gives the same sequence. VCF-style (leftmost placement, unchanged base first): chr3-180679306-CT-C. GRCh37 (hg19) VCF-style: chr3-180397094-CT-C.
Other names: short protein forms K25fs.
Identifiers: ClinVar variation 2001402 (VCV002001402.5), dbSNP rs759007326, ClinGen allele CA2716259.